The following is an entry in ClinVar:

NM_006531.5(IFT88):c.1789_1814dup (p.Phe606fs)

Gene: IFT88 (intraflagellar transport 88; plus strand). Cytogenetic location: 13q12.11.
Variant type: Duplication.
Coding change: c.1789_1814dup on transcript NM_006531.5 (MANE Select); coding-DNA positions 1789 to 1814, 26 bases duplicated (GATCGTGAAGGAGATAAATCTCAAGC).
Protein change: p.Phe606fs; shifts the reading frame from phenylalanine 606.
Molecular consequence: frameshift variant. On other transcripts: non-coding transcript variant (4).
Genome position (GRCh38, 1-based): chr13:20,643,561-20,643,586, GATCGTGAAGGAGATAAATCTCAAGC duplicated. VCF-style (leftmost placement, unchanged base first): chr13-20643560-T-TGATCGTGAAGGAGATAAATCTCAAGC. GRCh37 (hg19) VCF-style: chr13-21217699-T-TGATCGTGAAGGAGATAAATCTCAAGC.
Other names: c.1732_1757dup, p.Phe587fs (NM_001318491.2, NM_001353575.2); c.1816_1841dup, p.Phe615fs (NM_001318493.2, NM_001353565.2, NM_001353566.2 and 2 more transcripts); c.1789_1814dup, p.Phe606fs (NM_001353568.2, NM_001353572.2); c.1714_1739dup, p.Phe581fs (NM_001353569.2, NM_001353570.2, NM_001353576.2 and 1 more transcripts); c.1687_1712dup, p.Phe572fs (NM_001353571.2, NM_001353578.2); c.1645_1670dup, p.Phe558fs (NM_001353573.2); c.1630_1655dup, p.Phe553fs (NM_001353574.2); c.1156_1181dup, p.Phe395fs (NM_001353579.2); short protein forms F553fs, F572fs, F581fs, F615fs, F395fs, F558fs, F587fs, F606fs.
Identifiers: ClinVar variation 2077349 (VCV002077349.4), dbSNP rs1268276587, ClinGen allele CA608576503.

ClinVar aggregate classification (germline): Uncertain significance (1 of 4 stars; one submission).

Allele frequency attached by ClinVar (database versions not stated): gnomAD exomes below 0.00001.

Submission:

Labcorp Genetics (formerly Invitae), Labcorp
Classification: Uncertain significance. Last evaluated: 2022-06-04. Review status: criteria provided, single submitter. Criteria: Invitae Variant Classification Sherloc (09022015). Collection method: clinical testing. Allele origin: germline.
Comment: In summary, the available evidence is currently insufficient to determine the role of this variant in disease. Therefore, it has been classified as a Variant of Uncertain Significance. Algorithms developed to predict the effect of sequence changes on RNA splicing suggest that this variant may create or strengthen a splice site. This variant has not been reported in the literature in individuals affected with IFT88-related conditions. This variant is present in population databases (no rsID available, gnomAD 0.0009%). This sequence change creates a premature translational stop signal (p.Phe615Ilefs*58) in the IFT88 gene. It is expected to result in an absent or disrupted protein product. However, the current clinical and genetic evidence is not sufficient to establish whether loss-of-function variants in IFT88 cause disease.